The following is an entry in ClinVar:

NM_001358921.2(COQ2):c.368G>A (p.Arg123His)

Gene: COQ2 (coenzyme Q2, polyprenyltransferase; minus strand). Cytogenetic location: 4q21.23.
Variant type: single nucleotide variant.
Coding change: c.368G>A on transcript NM_001358921.2 (MANE Select); coding-DNA position 368, G replaced by A.
Protein change: p.Arg123His; replaces arginine 123 with histidine.
Molecular consequence: missense variant.
Genome position (GRCh38, 1-based): chr4:83,279,000, C>T on the plus strand (G>A on the coding strand, the complement: COQ2 is on the minus strand). VCF-style: chr4-83279000-C-T. GRCh37 (hg19) VCF-style: chr4-84200153-C-T.
Other names: c.518G>A, p.Arg173His (NM_015697.9); short protein forms R123H, R173H.
Identifiers: ClinVar variation 1341588 (VCV001341588.9), dbSNP rs752363398, ClinGen allele CA2988623.

ClinVar aggregate classification (germline): Conflicting classifications of pathogenicity. Review status: criteria provided, conflicting classifications (1 of 4 stars). 5 submissions from 5 submitters: Likely pathogenic (1); Uncertain significance (4). Last evaluated 2025-12-29.

Conditions:
Multiple system atrophy 1, susceptibility to. Also called: MSA1, SUSCEPTIBILITY TO. Identifiers: MedGen C3714927, MONDO:0020715, OMIM 146500.
Coenzyme Q10 deficiency, primary, 1. Also called: UBIQUINONE DEFICIENCY 1; COENZYME Q DEFICIENCY 1; CoQ DEFICIENCY 1. Identifiers: Orphanet 255249, MedGen C3551954, MONDO:0011829, OMIM 607426.

Allele frequency attached by ClinVar (database versions not stated): gnomAD 0.00003; TOPMed 0.00005; gnomAD exomes 0.00009; ExAC 0.00011.

Submissions (5):

Labcorp Genetics (formerly Invitae), Labcorp
Classification: Uncertain significance. Last evaluated: 2025-12-29. Review status: criteria provided, single submitter. Criteria: Invitae Variant Classification Sherloc (09022015). Collection method: clinical testing. Allele origin: germline.
Comment: This sequence change replaces arginine, which is basic and polar, with histidine, which is basic and polar, at codon 173 of the COQ2 protein (p.Arg173His). This variant is present in population databases (rs752363398, gnomAD 0.1%). This missense change has been observed in individual(s) with clinical features of coenzyme Q10 deficiency (PMID: 30180404, 32604935, 35483523, 39805995). In at least one individual the data is consistent with being in trans (on the opposite chromosome) from a pathogenic variant. ClinVar contains an entry for this variant (Variation ID: 1341588). Invitae Evidence Modeling of protein sequence and biophysical properties (such as structural, functional, and spatial information, amino acid conservation, physicochemical variation, residue mobility, and thermodynamic stability) has been performed for this missense variant. However, the output from this modeling did not meet the statistical confidence thresholds required to predict the impact of this variant on COQ2 protein function. In summary, the available evidence is currently insufficient to determine the role of this variant in disease. Therefore, it has been classified as a Variant of Uncertain Significance.

GeneDx
Classification: Uncertain significance. Last evaluated: 2024-02-29. Review status: criteria provided, single submitter. Criteria: GeneDx Variant Classification Process June 2021. Collection method: clinical testing. Allele origin: germline. Affected: yes.
Comment: Identified in individuals with focal segmental glomerulosclerosis who harbored a second COQ2 variant, but it is unknown if the variants were on the same (in cis) or opposite (in trans) COQ2 alleles (PMID: 25349199, 35683636, 35483523); Identified in the heterozygous state in unrelated adult individuals with ataxia and other Parkinsonism features (PMID: 26096180, 25442117); In silico analysis supports that this missense variant has a deleterious effect on protein structure/function; This variant is associated with the following publications: (PMID: 30030365, 30180404, 32604935, 34426522, 36420660, 25349199, 35683636, 36982356, 36765380, 35483523, 26096180, 35112026, 25442117)

Baylor Genetics
Classification: Likely pathogenic for Multiple system atrophy 1, susceptibility to. Last evaluated: 2024-02-23. Review status: criteria provided, single submitter. Criteria: ACMG Guidelines, 2015. Collection method: clinical testing. Allele origin: unknown.

Blueprint Genetics
Classification: Uncertain significance. Last evaluated: 2024-02-20. Review status: criteria provided, single submitter. Criteria: ACMG Guidelines, 2015. Collection method: clinical testing. Allele origin: germline.

Fulgent Genetics
Classification: Uncertain significance for Multiple system atrophy 1, susceptibility to; Coenzyme Q10 deficiency, primary, 1. Last evaluated: 2022-05-17. Review status: criteria provided, single submitter. Criteria: ACMG Guidelines, 2015. Collection method: clinical testing. Allele origin: unknown.

Literature cited by the submitters: PubMed 30180404 (cited by Labcorp Genetics (formerly Invitae), Labcorp); PubMed 32604935 (cited by Labcorp Genetics (formerly Invitae), Labcorp); PubMed 35483523 (cited by Labcorp Genetics (formerly Invitae), Labcorp); PubMed 39805995 (cited by Labcorp Genetics (formerly Invitae), Labcorp).